The following is an entry in ClinVar:

NM_007126.5(VCP):c.574G>A (p.Glu192Lys)

Gene: VCP (valosin containing protein; minus strand). Cytogenetic location: 9p13.3.
Variant type: single nucleotide variant.
Coding change: c.574G>A on transcript NM_007126.5 (MANE Select); coding-DNA position 574, G replaced by A.
Protein change: p.Glu192Lys; replaces glutamic acid 192 with lysine.
Molecular consequence: missense variant.
Genome position (GRCh38, 1-based): chr9:35,065,253, C>T on the plus strand (G>A on the coding strand, the complement: VCP is on the minus strand). VCF-style: chr9-35065253-C-T. GRCh37 (hg19) VCF-style: chr9-35065250-C-T.
Other names: c.439G>A, p.Glu147Lys (NM_001354927.2, NM_001354928.2); short protein forms E147K, E192K.
Identifiers: ClinVar variation 4082676 (VCV004082676.1).

ClinVar aggregate classification (germline): Uncertain significance (1 of 4 stars; one submission).

Submission:

GeneDx
Classification: Uncertain significance. Last evaluated: 2025-02-28. Review status: criteria provided, single submitter. Criteria: GeneDx Variant Classification Process June 2021. Collection method: clinical testing. Allele origin: germline. Affected: yes.
Comment: Not observed at significant frequency in large population cohorts (gnomAD); In silico analysis supports that this missense variant has a deleterious effect on protein structure/function; Has not been previously published as pathogenic or benign to our knowledge